The following is an entry in ClinVar:

ClinVar aggregate classification (germline): Uncertain significance. Review status: criteria provided, multiple submitters, no conflicts (2 of 4 stars). 2 submissions from 2 submitters: Uncertain significance (2). Last evaluated 2023-07-19.

Conditions:
Inborn genetic diseases. Identifiers: MedGen C0950123, MeSH D030342.

Submissions (2):

GeneDx
Classification: Uncertain significance. Last evaluated: 2023-07-19. Review status: criteria provided, single submitter. Criteria: GeneDx Variant Classification Process June 2021. Collection method: clinical testing. Allele origin: germline. Affected: yes.
Comment: Not observed at significant frequency in large population cohorts (gnomAD); In silico analysis supports that this missense variant does not alter protein structure/function; Has not been previously published as pathogenic or benign to our knowledge

Ambry Genetics
Classification: Uncertain significance for Inborn genetic diseases. Last evaluated: 2014-11-01. Review status: criteria provided, single submitter. Criteria: Ambry exome assertion method (8-5-2015). Collection method: clinical testing. Allele origin: germline. Affected: yes. Observed: 1 variant allele.

NM_006265.3(RAD21):c.418G>A (p.Val140Met)

Gene: RAD21 (RAD21 cohesin complex component; minus strand). Cytogenetic location: 8q24.11.
Variant type: single nucleotide variant.
Coding change: c.418G>A on transcript NM_006265.3 (MANE Select); coding-DNA position 418, G replaced by A.
Protein change: p.Val140Met; replaces valine 140 with methionine.
Molecular consequence: missense variant.
Genome position (GRCh38, 1-based): chr8:116,858,415, C>T on the plus strand (G>A on the coding strand, the complement: RAD21 is on the minus strand). VCF-style: chr8-116858415-C-T. GRCh37 (hg19) VCF-style: chr8-117870654-C-T.
Other names: short protein forms V140M.
Identifiers: ClinVar variation 520591 (VCV000520591.5), dbSNP rs1554611589, ClinGen allele CA372008062.
Genomic context (GRCh38, chr8:116,858,415, plus strand): 5'-AATCATTTTCTTGTAAAATACTGATGTTCCCAACTTCTTCTCTCATGGTTATCTCTTCCA[C>T]TCTACTCTGATTCAAGCTGAACTGCTGGGCCACATCGATGTCACTTTAAAAGAAGGTCAA-3'
Protein context (NP_006256.1, residues 130-150): AQQFSLNQSR[Val140Met]EEITMREEVG